The following is an entry in ClinVar:

ClinVar aggregate classification (germline): Conflicting classifications of pathogenicity. Review status: criteria provided, conflicting classifications (1 of 4 stars). 6 submissions from 6 submitters: Uncertain significance (4); Likely benign (1). 1 of the submissions does not count toward it. Last evaluated 2026-01-16.

Conditions:
Hereditary cancer-predisposing syndrome. Also called: Hereditary neoplastic syndrome; Neoplastic Syndromes, Hereditary; Tumor predisposition; Hereditary Cancer Syndrome. Identifiers: Orphanet 140162, MedGen C0027672, MeSH D009386, MONDO:0015356.
Microcephaly, normal intelligence and immunodeficiency (NBS). Also called: IMMUNODEFICIENCY, MICROCEPHALY, AND CHROMOSOMAL INSTABILITY; SEEMANOVA SYNDROME II; Nijmegen breakage syndrome; Microcephaly with normal intelligence immunodeficiency and lymphoreticular malignancies; Nonsyndromal microcephaly autosomal recessive with normal intelligence; Seemanova syndrome 2. Identifiers: Orphanet 647, MedGen C0398791, MONDO:0009623, OMIM 251260.

Allele frequency attached by ClinVar (database versions not stated): TOPMed 0.00001.
gnomAD v4.1: 17 of 1,613,432 alleles (0.0011%); highest among the groups gnomAD compares: South Asian, 0.019%; 1 homozygote.

Submissions (6):

Labcorp Genetics (formerly Invitae), Labcorp
Classification: Uncertain significance for Microcephaly, normal intelligence and immunodeficiency. Last evaluated: 2026-01-16. Review status: criteria provided, single submitter. Criteria: Invitae Variant Classification Sherloc (09022015). Collection method: clinical testing. Allele origin: germline.
Comment: This sequence change replaces arginine, which is basic and polar, with glycine, which is neutral and non-polar, at codon 714 of the NBN protein (p.Arg714Gly). This variant is present in population databases (rs730881864, gnomAD 0.03%), including at least one homozygous and/or hemizygous individual. This missense change has been observed in individual(s) with breast cancer (PMID: 35264596). ClinVar contains an entry for this variant (Variation ID: 480065). An algorithm developed to predict the effect of missense changes on protein structure and function outputs the following: PolyPhen-2: "Benign". The glycine amino acid residue is found in multiple mammalian species, which suggests that this missense change does not adversely affect protein function. In summary, the available evidence is currently insufficient to determine the role of this variant in disease. Therefore, it has been classified as a Variant of Uncertain Significance.

Genome-Nilou Lab
Classification: Uncertain significance for Microcephaly, normal intelligence and immunodeficiency. Last evaluated: 2021-11-07. Review status: criteria provided, single submitter. Criteria: ACMG Guidelines, 2015. Collection method: clinical testing. Allele origin: germline. Affected: no.

Ambry Genetics
Classification: Likely benign for Hereditary cancer-predisposing syndrome. Last evaluated: 2021-09-16. Review status: criteria provided, single submitter. Criteria: Ambry Variant Classification Scheme 2023. Collection method: clinical testing. Allele origin: germline.

GeneDx
Classification: Uncertain significance. Last evaluated: 2020-07-15. Review status: criteria provided, single submitter. Criteria: GeneDx Variant Classification Process June 2021. Collection method: clinical testing. Allele origin: germline. Affected: yes.
Comment: In silico analysis supports that this missense variant does not alter protein structure/function; Has not been previously published as pathogenic or benign to our knowledge

Mendelics
Classification: Uncertain significance for Microcephaly, normal intelligence and immunodeficiency. Last evaluated: 2018-07-02. Review status: criteria provided, single submitter. Criteria: Mendelics Assertion Criteria 2017. Collection method: clinical testing. Allele origin: unknown.

Natera, Inc.
Classification: Uncertain significance for Nijmegen breakage syndrome. Last evaluated: 2020-09-16. Review status: no assertion criteria provided. Collection method: clinical testing. Allele origin: germline. Not counted in ClinVar's aggregate classification.

Literature cited by the submitters: PubMed 35264596 (cited by Labcorp Genetics (formerly Invitae), Labcorp).

NM_002485.5(NBN):c.2140C>G (p.Arg714Gly)

Gene: NBN (nibrin; minus strand). Cytogenetic location: 8q21.3.
Variant type: single nucleotide variant.
Coding change: c.2140C>G on transcript NM_002485.5 (MANE Select); coding-DNA position 2140, C replaced by G.
Protein change: p.Arg714Gly; replaces arginine 714 with glycine.
Molecular consequence: missense variant.
Genome position (GRCh38, 1-based): chr8:89,943,297, G>C on the plus strand (C>G on the coding strand, the complement: NBN is on the minus strand). VCF-style: chr8-89943297-G-C. GRCh37 (hg19) VCF-style: chr8-90955525-G-C.
Other names: c.1894C>G, p.Arg632Gly (NM_001024688.3); short protein forms R714G, R632G.
Identifiers: ClinVar variation 480065 (VCV000480065.21), dbSNP rs730881864, ClinGen allele CA4802601.